The following is an entry in ClinVar:

NM_004204.5(PIGQ):c.1714C>T (p.Pro572Ser)

Gene: PIGQ (phosphatidylinositol glycan anchor biosynthesis class Q; plus strand). Cytogenetic location: 16p13.3.
Variant type: single nucleotide variant.
Coding change: c.1714C>T on transcript NM_004204.5 (MANE Select); coding-DNA position 1714, C replaced by T.
Protein change: p.Pro572Ser; replaces proline 572 with serine.
Molecular consequence: missense variant.
Genome position (GRCh38, 1-based): chr16:583,003, C>T. VCF-style: chr16-583003-C-T. GRCh37 (hg19) VCF-style: chr16-633003-C-T.
Other names: c.1652C>T, p.Pro551Leu (NM_148920.4); short protein forms P551L, P572S.
Identifiers: ClinVar variation 2645828 (VCV002645828.24), dbSNP rs2505943094, ClinGen allele CA15874734.
Genomic context (GRCh38, chr16:583,003, plus strand): 5'-CACCCCAAGCACTCCTGGGGCGCCCTGTGCCGCAAGCTGTTCCTTGGGGAGCTCATCTAC[C>T]CCTGGAGGCAGAGAGGGGACAAGCAGGACTGAGGGAACTGCTGGCTCGCCTGGCACCACC-3'
Protein context (NP_004195.2, residues 562-581): RKLFLGELIY[Pro572Ser]WRQRGDKQD

ClinVar aggregate classification (germline): Uncertain significance (1 of 4 stars; one submission).

Allele frequency attached by ClinVar (database versions not stated): gnomAD exomes below 0.00001.
gnomAD v4.1: 1 of 1,613,146 alleles (0.000062%); highest among the groups gnomAD compares: Non-Finnish European, 0.000085%; no homozygotes.

Submission:

CeGaT Center for Human Genetics Tuebingen
Classification: Uncertain significance. Last evaluated: 2023-07-01. Review status: criteria provided, single submitter. Criteria: CeGaT Center For Human Genetics Tuebingen Variant Classification Criteria Version 2. Collection method: clinical testing. Allele origin: germline. Affected: yes. Observed: 1 variant allele.
Comment: PIGQ: PM2, BP4